The following is an entry in ClinVar:

ClinVar aggregate classification (germline): Uncertain significance (1 of 4 stars; one submission).

Conditions:
Nephronophthisis. Also called: Juvenile Nephronophthisis. Identifiers: Orphanet 655, MedGen C0687120, MONDO:0019005, HP:0000090.

Allele frequency attached by ClinVar (database versions not stated): gnomAD exomes below 0.00001 and 0.00001; ExAC 0.00001.
gnomAD v4.1: 20 of 1,610,242 alleles (0.0012%); highest among the groups gnomAD compares: Non-Finnish European, 0.0017%; no homozygotes.

Submission:

Labcorp Genetics (formerly Invitae), Labcorp
Classification: Uncertain significance for Nephronophthisis. Last evaluated: 2022-07-12. Review status: criteria provided, single submitter. Criteria: Invitae Variant Classification Sherloc (09022015). Collection method: clinical testing. Allele origin: germline.
Comment: This sequence change replaces valine, which is neutral and non-polar, with methionine, which is neutral and non-polar, at codon 283 of the NPHP1 protein (p.Val283Met). This variant is present in population databases (rs772549591, gnomAD 0.0009%). This variant has not been reported in the literature in individuals affected with NPHP1-related conditions. ClinVar contains an entry for this variant (Variation ID: 1003644). Algorithms developed to predict the effect of missense changes on protein structure and function (SIFT, PolyPhen-2, Align-GVGD) all suggest that this variant is likely to be tolerated. In summary, the available evidence is currently insufficient to determine the role of this variant in disease. Therefore, it has been classified as a Variant of Uncertain Significance.

NM_001128178.3(NPHP1):c.771+76G>A

Gene: NPHP1 (nephrocystin 1; minus strand). Cytogenetic location: 2q13.
Variant type: single nucleotide variant.
Coding change: c.771+76G>A on transcript NM_001128178.3 (MANE Select); 76 bases into the intron after coding-DNA position 771, G replaced by A.
Molecular consequence: intron variant. On other transcripts: missense variant (2).
Genome position (GRCh38, 1-based): chr2:110,164,612, C>T on the plus strand (G>A on the coding strand, the complement: NPHP1 is on the minus strand). VCF-style: chr2-110164612-C-T. GRCh37 (hg19) VCF-style: chr2-110922189-C-T.
Other names: c.847G>A, p.Val283Met (NM_000272.5, NM_207181.4); c.585+76G>A (NM_001128179.3); c.771+76G>A (NM_001374256.1, NM_001374257.1); short protein forms V283M.
Identifiers: ClinVar variation 1003644 (VCV001003644.6), dbSNP rs772549591, ClinGen allele CA1827269.